The following is an entry in ClinVar:

NM_002968.3(SALL1):c.3584G>A (p.Arg1195Gln)

Gene: SALL1 (spalt like transcription factor 1; minus strand). Cytogenetic location: 16q12.1.
Variant type: single nucleotide variant.
Coding change: c.3584G>A on transcript NM_002968.3 (MANE Select); coding-DNA position 3584, G replaced by A.
Protein change: p.Arg1195Gln; replaces arginine 1195 with glutamine.
Molecular consequence: missense variant.
Genome position (GRCh38, 1-based): chr16:51,137,503, C>T on the plus strand (G>A on the coding strand, the complement: SALL1 is on the minus strand). VCF-style: chr16-51137503-C-T. GRCh37 (hg19) VCF-style: chr16-51171414-C-T.
Other names: c.3293G>A, p.Arg1098Gln (NM_001127892.2); short protein forms R1195Q, R1098Q.
Identifiers: ClinVar variation 574766 (VCV000574766.10), dbSNP rs1030315086, ClinGen allele CA281298234.
Genomic context (GRCh38, chr16:51,137,503, plus strand): 5'-TCTGGGAACTTGACGGGATTGCCTCCTAGAAATGTCATGGGGCCATCCACAGAGAGCCGC[C>T]GACCCCGTCGTGCAGGGGTGCTATTCCACATGTGAGTGCCCATGTGTACCTGAGATATGG-3'
Protein context (NP_002959.2, residues 1185-1205): MWNSTPARRG[Arg1195Gln]RLSVDGPMTF

ClinVar aggregate classification (germline): Uncertain significance. Review status: criteria provided, multiple submitters, no conflicts (2 of 4 stars). 2 submissions from 2 submitters: Uncertain significance (2). Last evaluated 2023-02-16.

Conditions:
Inborn genetic diseases. Identifiers: MedGen C0950123, MeSH D030342.
Townes syndrome (TBS). Also called: Townes-Brocks syndrome. Identifiers: Orphanet 857, MedGen C0265246, MeSH C536974, MONDO:0007142.

Allele frequency attached by ClinVar (database versions not stated): TOPMed 0.00001.
gnomAD v4.1: 5 of 1,613,846 alleles (0.00031%); highest among the groups gnomAD compares: Middle Eastern, 0.016%; no homozygotes.

Submissions (2):

Ambry Genetics
Classification: Uncertain significance for Inborn genetic diseases. Last evaluated: 2023-02-16. Review status: criteria provided, single submitter. Criteria: Ambry Variant Classification Scheme 2023. Collection method: clinical testing. Allele origin: germline.

Labcorp Genetics (formerly Invitae), Labcorp
Classification: Uncertain significance for Townes syndrome. Last evaluated: 2018-07-25. Review status: criteria provided, single submitter. Criteria: Invitae Variant Classification Sherloc (09022015). Collection method: clinical testing. Allele origin: germline.
Comment: This sequence change replaces arginine with glutamine at codon 1195 of the SALL1 protein (p.Arg1195Gln). The arginine residue is highly conserved and there is a small physicochemical difference between arginine and glutamine. This variant is not present in population databases (ExAC no frequency). Algorithms developed to predict the effect of missense changes on protein structure and function are either unavailable or do not agree on the potential impact of this missense change (SIFT: "Deleterious"; PolyPhen-2: "Probably Damaging"; Align-GVGD: "Class C0"). In summary, the available evidence is currently insufficient to determine the role of this variant in disease. Therefore, it has been classified as a Variant of Uncertain Significance.